The following is an entry in ClinVar:

NM_001134407.3(GRIN2A):c.1507C>T (p.Gln503Ter)

Gene: GRIN2A (glutamate ionotropic receptor NMDA type subunit 2A; minus strand). Cytogenetic location: 16p13.2.
Variant type: single nucleotide variant.
Coding change: c.1507C>T on transcript NM_001134407.3 (MANE Select); coding-DNA position 1507, C replaced by T.
Protein change: p.Gln503Ter; replaces glutamine 503 with a stop codon.
Molecular consequence: nonsense.
Genome position (GRCh38, 1-based): chr16:9,840,791, G>A on the plus strand (C>T on the coding strand, the complement: GRIN2A is on the minus strand). VCF-style: chr16-9840791-G-A. GRCh37 (hg19) VCF-style: chr16-9934648-G-A.
Other names: c.1507C>T, p.Gln503Ter (NM_000833.5, NM_001134408.2); short protein forms Q503*.
Identifiers: ClinVar variation 817517 (VCV000817517.3), dbSNP rs1555494699, ClinGen allele CA394800479.

ClinVar aggregate classification (germline): Pathogenic. Review status: criteria provided, multiple submitters, no conflicts (2 of 4 stars). 2 submissions from 2 submitters: Pathogenic (2). Last evaluated 2025-10-01.
ClinVar aggregate classification (oncogenicity): Likely oncogenic (1 of 4 stars; one submission).

Conditions:
Landau-Kleffner syndrome (FESD). Also called: APHASIA, ACQUIRED, WITH EPILEPSY; EPILEPSY, FOCAL, WITH SPEECH DISORDER AND WITH OR WITHOUT MENTAL RETARDATION. Identifiers: Orphanet 1945, Orphanet 725, Orphanet 98818, MedGen C0282512, MONDO:0009509, OMIM 245570.
Neoplasm. Also called: tumor; Neoplasms; Neoplasm (disease). Identifiers: MedGen C0027651, MeSH D009369, MONDO:0005070, HP:0002664.

Submissions (3):

Center for Genomic Medicine, Rigshospitalet, Copenhagen University Hospital
Classification: Likely oncogenic for Neoplasm. Last evaluated: 2025-12-29. Review status: criteria provided, single submitter. Criteria: ClinGen/CGC/VICC Guidelines for Oncogenicity, 2022. Collection method: clinical testing. Allele origin: somatic. Affected: yes.

Labcorp Genetics (formerly Invitae), Labcorp
Classification: Pathogenic for Landau-Kleffner syndrome. Last evaluated: 2025-10-01. Review status: criteria provided, single submitter. Criteria: Invitae Variant Classification Sherloc (09022015). Collection method: clinical testing. Allele origin: germline.
Comment: This sequence change creates a premature translational stop signal (p.Gln503*) in the GRIN2A gene. It is expected to result in an absent or disrupted protein product. Loss-of-function variants in GRIN2A are known to be pathogenic (PMID: 23933819, 23933820). This variant is not present in population databases (gnomAD no frequency). This variant has not been reported in the literature in individuals affected with GRIN2A-related conditions. ClinVar contains an entry for this variant (Variation ID: 817517). For these reasons, this variant has been classified as Pathogenic.

GeneDx
Classification: Pathogenic. Last evaluated: 2019-03-21. Review status: criteria provided, single submitter. Criteria: GeneDx Variant Classification (06012015). Collection method: clinical testing. Allele origin: germline. Affected: yes.
Comment: The Q503X variant in the GRIN2A gene has not been reported previously as a pathogenic variant noras a benign variant, to our knowledge. This variant is predicted to cause loss of normal proteinfunction either through protein truncation or nonsense-mediated mRNA decay. The Q503X variant isnot observed in large population cohorts (Lek et al., 2016). We interpret Q503X as a pathogenicvariant.

Literature cited by the submitters: PubMed 24739903 (cited by Center for Genomic Medicine, Rigshospitalet, Copenhagen University Hospital); PubMed 28986867 (cited by Center for Genomic Medicine, Rigshospitalet, Copenhagen University Hospital); PubMed 23933819 (cited by Labcorp Genetics (formerly Invitae), Labcorp); PubMed 23933820 (cited by Labcorp Genetics (formerly Invitae), Labcorp).